The following is an entry in ClinVar:

ClinVar aggregate classification (germline): Uncertain significance. Review status: criteria provided, multiple submitters, no conflicts (2 of 4 stars). 2 submissions from 2 submitters: Uncertain significance (2). Last evaluated 2025-04-02.

Conditions:
GJA3-related disorder. Also called: GJA3-related condition.
Cataract 14 multiple types. Also called: CATARACT 14, ZONULAR PULVERULENT; CATARACT 14, NUCLEAR PULVERULENT; CATARACT 14, NUCLEAR PULVERULENT AND POSTERIOR POLAR; CATARACT 14, NUCLEAR CORALLIFORM; CATARACT 14, EMBRYONAL NUCLEAR; CATARACT 14, COPPOCK-LIKE. Identifiers: Orphanet 91492, MedGen C1866078, MONDO:0011162, OMIM 601885.

Submissions (2):

PreventionGenetics, part of Exact Sciences
Classification: Uncertain significance for GJA3-related condition. Last evaluated: 2025-04-02. Review status: criteria provided, single submitter. Criteria: ACMG Guidelines, 2015. Collection method: clinical testing. Allele origin: germline.
Comment: The GJA3 c.189C>A variant is predicted to result in the amino acid substitution p.Asn63Lys. To our knowledge, this variant has not been reported in the literature or in a large population database (gnomAD), indicating this variant is rare. Of note, a different variant impacting the same amino acid (p.Asn63Ser) has been documented in a family with congenital cataracts (Family B in Mackay. 1999. PubMed ID: 10205266) and functional analysis showed that it impaired formation of gap junctional channels (Pal et al. 2000. PubMed ID: 10942709). Although we suspect that this variant may be pathogenic, at this time, the clinical significance of this variant is uncertain due to the absence of conclusive functional and genetic evidence.

Labcorp Genetics (formerly Invitae), Labcorp
Classification: Uncertain significance for Cataract 14 multiple types. Last evaluated: 2023-11-22. Review status: criteria provided, single submitter. Criteria: Invitae Variant Classification Sherloc (09022015). Collection method: clinical testing. Allele origin: germline.
Comment: This sequence change replaces asparagine, which is neutral and polar, with lysine, which is basic and polar, at codon 63 of the GJA3 protein (p.Asn63Lys). This variant is not present in population databases (gnomAD no frequency). This missense change has been observed in individual(s) with clinical features of congenital cataract (Invitae). Advanced modeling of protein sequence and biophysical properties (such as structural, functional, and spatial information, amino acid conservation, physicochemical variation, residue mobility, and thermodynamic stability) performed at Invitae indicates that this missense variant is expected to disrupt GJA3 protein function with a positive predictive value of 80%. This variant disrupts the p.Asn63 amino acid residue in GJA3. Other variant(s) that disrupt this residue have been determined to be pathogenic (PMID: 10205266). This suggests that this residue is clinically significant, and that variants that disrupt this residue are likely to be disease-causing. In summary, the available evidence is currently insufficient to determine the role of this variant in disease. Therefore, it has been classified as a Variant of Uncertain Significance.

Literature cited by the submitters: PubMed 10205266 (cited by Labcorp Genetics (formerly Invitae), Labcorp).

NM_021954.4(GJA3):c.189C>A (p.Asn63Lys)

Gene: GJA3 (gap junction protein alpha 3; minus strand). Cytogenetic location: 13q12.11.
Variant type: single nucleotide variant.
Coding change: c.189C>A on transcript NM_021954.4 (MANE Select); coding-DNA position 189, C replaced by A.
Protein change: p.Asn63Lys; replaces asparagine 63 with lysine.
Molecular consequence: missense variant.
Genome position (GRCh38, 1-based): chr13:20,143,100, G>T on the plus strand (C>A on the coding strand, the complement: GJA3 is on the minus strand). VCF-style: chr13-20143100-G-T. GRCh37 (hg19) VCF-style: chr13-20717239-G-T.
Other names: c.189C>A (NM_021954.3); short protein forms N63K.
Identifiers: ClinVar variation 2698169 (VCV002698169.4), dbSNP rs886239432, ClinGen allele CA387465404.